The following is an entry in ClinVar:

NM_015267.4(CUX2):c.3790G>C (p.Glu1264Gln)

Gene: CUX2 (cut like homeobox 2; plus strand). Cytogenetic location: 12q24.12.
Variant type: single nucleotide variant.
Coding change: c.3790G>C on transcript NM_015267.4 (MANE Select); coding-DNA position 3790, G replaced by C.
Protein change: p.Glu1264Gln; replaces glutamic acid 1264 with glutamine.
Molecular consequence: missense variant.
Genome position (GRCh38, 1-based): chr12:111,347,654, G>C. VCF-style: chr12-111347654-G-C. GRCh37 (hg19) VCF-style: chr12-111785458-G-C.
Other names: c.3604G>C, p.Glu1202Gln (NM_001370598.1); short protein forms E1202Q, E1264Q.
Identifiers: ClinVar variation 4823096 (VCV004823096.4).
Genomic context (GRCh38, chr12:111,347,654, plus strand): 5'-CCTGGAATCCTACCGCCAGGCCACTCCCACCCAGACCCCACCCCGCAGAGCCCTGACTCT[G>C]AGACTGAGGACCAGAAGCCAACCGTGAAGGAACTGGAGCTTCAGGAGGGCCCTGAGGAGA-3'
Protein context (NP_056082.2, residues 1254-1274): PDPTPQSPDS[Glu1264Gln]TEDQKPTVKE

ClinVar aggregate classification (germline): Likely benign (1 of 4 stars; one submission).

gnomAD v4.1: 1 of 1,612,106 alleles (0.000062%); highest among the groups gnomAD compares: South Asian, 0.0011%; no homozygotes.

Submission:

CeGaT Center for Human Genetics Tuebingen
Classification: Likely benign. Last evaluated: 2026-01-01. Review status: criteria provided, single submitter. Criteria: CeGaT Center For Human Genetics Tuebingen Variant Classification Criteria Version 2. Collection method: clinical testing. Allele origin: germline. Affected: yes. Observed: 1 variant allele.
Comment: CUX2: BP4